The following is an entry in ClinVar:

NM_001130987.2(DYSF):c.4597T>C (p.Tyr1533His)

Gene: DYSF (dysferlin; plus strand). Cytogenetic location: 2p13.2.
Variant type: single nucleotide variant.
Coding change: c.4597T>C on transcript NM_001130987.2 (MANE Select); coding-DNA position 4597, T replaced by C.
Protein change: p.Tyr1533His; replaces tyrosine 1533 with histidine.
Molecular consequence: missense variant.
Genome position (GRCh38, 1-based): chr2:71,644,034, T>C. VCF-style: chr2-71644034-T-C. GRCh37 (hg19) VCF-style: chr2-71871164-T-C.
Other names: p.Tyr1494His; c.4483T>C, p.Tyr1495His (NM_001130455.2); c.4438T>C, p.Tyr1480His (NM_001130976.2); c.4501T>C, p.Tyr1501His (NM_001130977.2); c.4543T>C, p.Tyr1515His (NM_001130978.2); c.4573T>C, p.Tyr1525His (NM_001130979.2); c.4531T>C, p.Tyr1511His (NM_001130980.2); c.4594T>C, p.Tyr1532His (NM_001130981.2); and 6 more; short protein forms Y1494H, Y1515H, Y1533H, Y1495H, Y1512H, Y1525H, Y1526H, Y1480H.
Identifiers: ClinVar variation 285356 (VCV000285356.32), dbSNP rs150139276, ClinGen allele CA1707060.

ClinVar aggregate classification (germline): Conflicting classifications of pathogenicity. Review status: criteria provided, conflicting classifications (1 of 4 stars). 10 submissions from 10 submitters: Uncertain significance (7); Likely benign (1). 2 of the submissions do not count toward it. Last evaluated 2026-01-31.

Conditions:
Autosomal recessive limb-girdle muscular dystrophy type 2B (LGMDR2). Also called: MUSCULAR DYSTROPHY, LIMB-GIRDLE, TYPE 3; MUSCULAR DYSTROPHY, LIMB-GIRDLE, AUTOSOMAL RECESSIVE 2; Limb-Girdle Muscular Dystrophy Type 2B (LGMD2B); Limb-girdle muscular dystrophy, type 2B. Identifiers: Orphanet 268, MedGen C1850889, MONDO:0009676, OMIM 253601.
Neuromuscular disease caused by qualitative or quantitative defects of dysferlin. Also called: Qualitative or quantitative defects of dysferlin; Dysferlinopathy. Identifiers: Orphanet 207073, MedGen C2931687, MONDO:0016145.

Allele frequency attached by ClinVar (database versions not stated): gnomAD 0.00031 and 0.00034; TOPMed 0.00034; gnomAD exomes 0.00044; ESP Exome Variant Server 0.00046; ExAC 0.00048.
gnomAD v4.1: 837 of 1,612,142 alleles (0.052%); highest among the groups gnomAD compares: Non-Finnish European, 0.063%; 1 homozygote.

Submissions (10):

Labcorp Genetics (formerly Invitae), Labcorp
Classification: Likely benign for Neuromuscular disease caused by qualitative or quantitative defects of dysferlin. Last evaluated: 2026-01-31. Review status: criteria provided, single submitter. Criteria: Invitae Variant Classification Sherloc (09022015). Collection method: clinical testing. Allele origin: germline.

Blueprint Genetics
Classification: Uncertain significance. Last evaluated: 2024-11-21. Review status: criteria provided, single submitter. Criteria: ACMG Guidelines, 2015. Collection method: clinical testing. Allele origin: germline.

GeneDx
Classification: Uncertain significance. Last evaluated: 2024-09-04. Review status: criteria provided, single submitter. Criteria: GeneDx Variant Classification Process June 2021. Collection method: clinical testing. Allele origin: germline. Affected: yes.
Comment: Reported with two other variants in DYSF in a patient with muscular dystrophy in published literature; however, no further clinical or segregation information was provided (PMID: 21522182); In silico analysis supports that this missense variant has a deleterious effect on protein structure/function; This variant is associated with the following publications: (PMID: 21522182, 25898921, 30564623)

Revvity Omics, Revvity
Classification: Uncertain significance. Last evaluated: 2024-06-13. Review status: criteria provided, single submitter. Criteria: ACMG Guidelines, 2015. Collection method: clinical testing. Allele origin: germline.

Women's Health and Genetics/Laboratory Corporation of America, LabCorp
Classification: Uncertain significance. Last evaluated: 2023-05-05. Review status: criteria provided, single submitter. Criteria: LabCorp Variant Classification Summary - May 2015. Collection method: clinical testing. Allele origin: germline.
Comment: Variant summary: DYSF c.4480T>C (p.Tyr1494His) results in a conservative amino acid change in the encoded protein sequence. Four of five in-silico tools predict a damaging effect of the variant on protein function. The variant allele was found at a frequency of 0.00044 in 247334 control chromosomes in the gnomAD database, including 1 homozygote (gnomAD). This frequency is not significantly higher than estimated for a pathogenic variant in DYSF causing Limb-Girdle Muscular Dystrophy, Autosomal Recessive (0.00044 vs 0.0031), allowing no conclusion about variant significance. c.4480T>C has been reported in the literature in at least one individual affected with Limb-Girdle Muscular Dystrophy, however without strong evidence for causality (e.g., Cacciottolo_2011). This report does not provide unequivocal conclusions about association of the variant with Limb-Girdle Muscular Dystrophy, Autosomal Recessive. To our knowledge, no experimental evidence demonstrating an impact on protein function has been reported. The following publications have been ascertained in the context of this evaluation (PMID: 21522182, 25898921). Eight ClinVar submitters (evaluation after 2014) have cited the variant with conflicting assessments, with 7 submitters classifying the variant as uncertain significance and one submitter classifying it as likely benign. Based on the evidence outlined above, the variant was classified as uncertain significance.

Mayo Clinic Laboratories, Mayo Clinic
Classification: Uncertain significance. Last evaluated: 2021-12-23. Review status: criteria provided, single submitter. Criteria: ACMG Guidelines, 2015. Collection method: clinical testing. Allele origin: germline.

Eurofins Ntd Llc (ga)
Classification: Uncertain significance. Last evaluated: 2017-11-03. Review status: criteria provided, single submitter. Criteria: EGL Classification Definitions 2015. Collection method: clinical testing. Allele origin: germline. Observed: 6 variant alleles, 6 heterozygotes.

Illumina Laboratory Services, Illumina
Classification: Uncertain significance for Qualitative or quantitative defects of dysferlin. Last evaluated: 2017-04-27. Review status: criteria provided, single submitter. Criteria: ICSL Variant Classification Criteria 13 December 2019. Collection method: clinical testing. Allele origin: germline.

Natera, Inc.
Classification: Uncertain significance for Limb-girdle muscular dystrophy type 2B. Last evaluated: 2020-01-24. Review status: no assertion criteria provided. Collection method: clinical testing. Allele origin: germline. Not counted in ClinVar's aggregate classification.

Counsyl
Classification: Uncertain significance for Autosomal recessive limb-girdle muscular dystrophy type 2B. Last evaluated: 2016-12-16. Review status: no assertion criteria provided. Collection method: clinical testing. Allele origin: unknown. Not counted in ClinVar's aggregate classification.

Literature cited by the submitters: PubMed 25898921 (cited by Women's Health and Genetics/Laboratory Corporation of America, LabCorp); PubMed 21522182 (cited by Women's Health and Genetics/Laboratory Corporation of America, LabCorp and Counsyl).